The following is an entry in ClinVar:

ClinVar aggregate classification (germline): Benign. Review status: criteria provided, single submitter (1 of 4 stars). 2 submissions from 2 submitters: Benign (1). 1 of the submissions does not count toward it. Last evaluated 2023-11-01.

Conditions:
COL15A1-related disorder. Also called: COL15A1-related condition.

Allele frequency attached by ClinVar (database versions not stated): 1000 Genomes Project 0.00679; 1000 Genomes Project 30x 0.00718; gnomAD 0.01460; ESP Exome Variant Server 0.01507; TOPMed 0.01509; ExAC 0.01588.
gnomAD v4.1: 31,540 of 1,612,602 alleles (2%); highest among the groups gnomAD compares: Non-Finnish European, 2.2%; 391 homozygotes.

Submissions (2):

CeGaT Center for Human Genetics Tuebingen
Classification: Benign. Last evaluated: 2023-11-01. Review status: criteria provided, single submitter. Criteria: CeGaT Center For Human Genetics Tuebingen Variant Classification Criteria Version 2. Collection method: clinical testing. Allele origin: germline. Affected: yes. Observed: 1 variant allele.
Comment: COL15A1: BS1, BS2

PreventionGenetics, part of Exact Sciences
Classification: Benign for COL15A1-related condition. Last evaluated: 2019-02-21. Review status: no assertion criteria provided. Collection method: clinical testing. Allele origin: germline. Not counted in ClinVar's aggregate classification.
Comment: This variant is classified as benign based on ACMG/AMP sequence variant interpretation guidelines (Richards et al. 2015 PMID: 25741868, with internal and published modifications).

NM_001855.5(COL15A1):c.2114C>T (p.Pro705Leu)

Gene: COL15A1 (collagen type XV alpha 1 chain; plus strand). Cytogenetic location: 9q22.33.
Variant type: single nucleotide variant.
Coding change: c.2114C>T on transcript NM_001855.5 (MANE Select); coding-DNA position 2114, C replaced by T.
Protein change: p.Pro705Leu; replaces proline 705 with leucine.
Molecular consequence: missense variant.
Genome position (GRCh38, 1-based): chr9:99,035,048, C>T. VCF-style: chr9-99035048-C-T. GRCh37 (hg19) VCF-style: chr9-101797330-C-T.
Other names: c.2114C>T (NM_001855.4); short protein forms P705L.
Identifiers: ClinVar variation 2673184 (VCV002673184.24), dbSNP rs41308900, ClinGen allele CA5155231.